The following is an entry in ClinVar:

NM_001267550.2(TTN):c.49152A>C (p.Thr16384=)

Genes: TTN (titin; minus strand), TTN-AS1 (TTN antisense RNA 1; plus strand), LOC126806426 (BRD4-independent group 4 enhancer GRCh37_chr2:179478848-179480047; plus strand). Cytogenetic location: 2q31.2.
Variant type: single nucleotide variant.
Coding change: c.49152A>C on transcript NM_001267550.2 (MANE Select); coding-DNA position 49152, A replaced by C.
Protein change: p.Thr16384=; no amino-acid change (threonine 16384 retained).
Molecular consequence: synonymous variant. On other transcripts: non-coding transcript variant (1).
Genome position (GRCh38, 1-based): chr2:178,614,245, T>G on the plus strand (A>C on the coding strand, the complement: TTN is on the minus strand). VCF-style: chr2-178614245-T-G. GRCh37 (hg19) VCF-style: chr2-179478972-T-G.
Other names: c.44229A>C, p.Thr14743= (NM_001256850.1); c.21957A>C, p.Thr7319= (NM_003319.4); c.41448A>C, p.Thr13816= (NM_133378.4); c.22332A>C, p.Thr7444= (NM_133432.3); c.22533A>C, p.Thr7511= (NM_133437.4).
Identifiers: ClinVar variation 682152 (VCV000682152.7), dbSNP rs754272157, ClinGen allele CA1994665.

ClinVar aggregate classification (germline): Likely benign. Review status: criteria provided, multiple submitters, no conflicts (2 of 4 stars). 3 submissions from 3 submitters: Likely benign (3). Last evaluated 2025-10-26.

Conditions:
Cardiovascular phenotype. Identifiers: MedGen CN230736.
Dilated cardiomyopathy 1G (CMD1G). Identifiers: Orphanet 154, MedGen C1858763, MONDO:0011400, OMIM 604145.
Autosomal recessive limb-girdle muscular dystrophy type 2J (LGMDR10). Also called: MUSCULAR DYSTROPHY, LIMB-GIRDLE, AUTOSOMAL RECESSIVE 10; Limb-girdle muscular dystrophy, type 2J. Identifiers: Orphanet 140922, MedGen C1837342, MONDO:0012127, OMIM 608807.

Allele frequency attached by ClinVar (database versions not stated): gnomAD exomes below 0.00001; ExAC 0.00001.
gnomAD v4.1: 1 of 1,612,646 alleles (0.000062%); highest among the groups gnomAD compares: Non-Finnish European, 0.000085%; no homozygotes.

Submissions (3):

Ambry Genetics
Classification: Likely benign for Cardiovascular phenotype. Last evaluated: 2025-10-26. Review status: criteria provided, single submitter. Criteria: Ambry Variant Classification Scheme 2023. Collection method: clinical testing. Allele origin: germline.

Labcorp Genetics (formerly Invitae), Labcorp
Classification: Likely benign for Dilated cardiomyopathy 1G; Autosomal recessive limb-girdle muscular dystrophy type 2J. Last evaluated: 2023-06-27. Review status: criteria provided, single submitter. Criteria: Invitae Variant Classification Sherloc (09022015). Collection method: clinical testing. Allele origin: germline.

GeneDx
Classification: Likely benign. Last evaluated: 2018-04-25. Review status: criteria provided, single submitter. Criteria: GeneDx Variant Classification (06012015). Collection method: clinical testing. Allele origin: germline. Affected: yes.
Comment: This variant is considered likely benign or benign based on one or more of the following criteria: it is a conservative change, it occurs at a poorly conserved position in the protein, it is predicted to be benign by multiple in silico algorithms, and/or has population frequency not consistent with disease.